The following is an entry in ClinVar:

NM_001379200.1(TBX1):c.1254G>T (p.Glu418Asp)

Gene: TBX1 (T-box transcription factor 1; plus strand). Cytogenetic location: 22q11.21.
Variant type: single nucleotide variant.
Coding change: c.1254G>T on transcript NM_001379200.1 (MANE Select); coding-DNA position 1254, G replaced by T.
Protein change: p.Glu418Asp; replaces glutamic acid 418 with aspartic acid.
Molecular consequence: missense variant. On other transcripts: intron variant (2).
Genome position (GRCh38, 1-based): chr22:19,766,606, G>T. VCF-style: chr22-19766606-G-T. GRCh37 (hg19) VCF-style: chr22-19754129-G-T.
Other names: c.1227G>T, p.Glu409Asp (NM_080647.1); c.1009+604G>T (NM_005992.1, NM_080646.2); short protein forms E409D, E418D.
Identifiers: ClinVar variation 2420363 (VCV002420363.6), dbSNP rs1936858411, ClinGen allele CA410684708.

ClinVar aggregate classification (germline): Uncertain significance. Review status: criteria provided, multiple submitters, no conflicts (2 of 4 stars). 3 submissions from 3 submitters: Uncertain significance (3). Last evaluated 2026-02-06.

Conditions:
DiGeorge syndrome. Also called: THIRD AND FOURTH PHARYNGEAL POUCH SYNDROME; Catch22. Identifiers: Orphanet 567, MedGen C0012236, MONDO:0008564, OMIM 188400.
Cardiovascular phenotype. Identifiers: MedGen CN230736.

Allele frequency attached by ClinVar (database versions not stated): gnomAD exomes below 0.00001.
gnomAD v4.1: 2 of 1,512,062 alleles (0.00013%); highest among the groups gnomAD compares: Non-Finnish European, 0.00018%; no homozygotes.

Submissions (3):

GeneDx
Classification: Uncertain significance. Last evaluated: 2026-02-06. Review status: criteria provided, single submitter. Criteria: GeneDx Variant Classification Process June 2021. Collection method: clinical testing. Allele origin: germline.
Comment: Not observed at significant frequency in large population cohorts (gnomAD); In silico analysis suggests that this missense variant does not alter protein structure/function; Has not been previously published as pathogenic or benign to our knowledge

Labcorp Genetics (formerly Invitae), Labcorp
Classification: Uncertain significance for DiGeorge syndrome. Last evaluated: 2025-08-18. Review status: criteria provided, single submitter. Criteria: Invitae Variant Classification Sherloc (09022015). Collection method: clinical testing. Allele origin: germline.
Comment: This sequence change replaces glutamic acid, which is acidic and polar, with aspartic acid, which is acidic and polar, at codon 409 of the TBX1 protein (p.Glu409Asp). This variant is not present in population databases (gnomAD no frequency). This variant has not been reported in the literature in individuals affected with TBX1-related conditions. ClinVar contains an entry for this variant (Variation ID: 2420363). An algorithm developed to predict the effect of missense changes on protein structure and function (PolyPhen-2) suggests that this variant is likely to be tolerated. In summary, the available evidence is currently insufficient to determine the role of this variant in disease. Therefore, it has been classified as a Variant of Uncertain Significance.

Ambry Genetics
Classification: Uncertain significance for Cardiovascular phenotype. Last evaluated: 2023-12-11. Review status: criteria provided, single submitter. Criteria: Ambry Variant Classification Scheme 2023. Collection method: clinical testing. Allele origin: germline.
Comment: The p.E409D variant (also known as c.1227G>T), located in coding exon 8 of the TBX1 gene, results from a G to T substitution at nucleotide position 1227. The glutamic acid at codon 409 is replaced by aspartic acid, an amino acid with highly similar properties. This amino acid position is conserved. In addition, this alteration is predicted to be tolerated by in silico analysis. Since supporting evidence is limited at this time, the clinical significance of this alteration remains unclear.